The following is an entry in ClinVar:

ClinVar aggregate classification (germline): Uncertain significance (1 of 4 stars; one submission).

Submission:

Labcorp Genetics (formerly Invitae), Labcorp
Classification: Uncertain significance. Last evaluated: 2019-08-31. Review status: criteria provided, single submitter. Criteria: Invitae Variant Classification Sherloc (09022015). Collection method: clinical testing. Allele origin: germline.
Comment: Algorithms developed to predict the effect of missense changes on protein structure and function are either unavailable or do not agree on the potential impact of this missense change (SIFT: "Deleterious"; PolyPhen-2: "Probably Damaging"; Align-GVGD: "Class C0"). In summary, the available evidence is currently insufficient to determine the role of this variant in disease. Therefore, it has been classified as a Variant of Uncertain Significance. This sequence change replaces histidine with arginine at codon 726 of the SNRNP200 protein (p.His726Arg). The histidine residue is highly conserved and there is a small physicochemical difference between histidine and arginine. This variant is not present in population databases (ExAC no frequency). This variant has not been reported in the literature in individuals with SNRNP200-related conditions.

NM_014014.5(SNRNP200):c.2177A>G (p.His726Arg)

Gene: SNRNP200 (small nuclear ribonucleoprotein U5 subunit 200; minus strand). Cytogenetic location: 2q11.2.
Variant type: single nucleotide variant.
Coding change: c.2177A>G on transcript NM_014014.5 (MANE Select); coding-DNA position 2177, A replaced by G.
Protein change: p.His726Arg; replaces histidine 726 with arginine.
Molecular consequence: missense variant.
Genome position (GRCh38, 1-based): chr2:96,291,884, T>C on the plus strand (A>G on the coding strand, the complement: SNRNP200 is on the minus strand). VCF-style: chr2-96291884-T-C. GRCh37 (hg19) VCF-style: chr2-96957622-T-C.
Other names: short protein forms H726R.
Identifiers: ClinVar variation 936714 (VCV000936714.9), dbSNP rs2063886262, ClinGen allele CA347678414.